The following is an entry in ClinVar:

ClinVar aggregate classification (germline): Likely benign (1 of 4 stars; one submission).

Allele frequency attached by ClinVar (database versions not stated): 1000 Genomes Project 0.00140; 1000 Genomes Project 30x 0.00172; TOPMed 0.00241; gnomAD 0.00268; ESP Exome Variant Server 0.00300; ExAC 0.00311; gnomAD exomes 0.00438.
gnomAD v4.1: 6,818 of 1,614,062 alleles (0.42%); highest among the groups gnomAD compares: Non-Finnish European, 0.5%; 17 homozygotes.

Submission:

CeGaT Center for Human Genetics Tuebingen
Classification: Likely benign. Last evaluated: 2022-03-01. Review status: criteria provided, single submitter. Criteria: CeGaT Center For Human Genetics Tuebingen Variant Classification Criteria Version 2. Collection method: clinical testing. Allele origin: germline. Affected: yes. Observed: 1 variant allele.
Comment: INTS12: BP4, BP7

NM_020395.4(INTS12):c.1209G>A (p.Gly403=)

Gene: INTS12 (integrator complex subunit 12; minus strand). Cytogenetic location: 4q24.
Variant type: single nucleotide variant.
Coding change: c.1209G>A on transcript NM_020395.4 (MANE Select); coding-DNA position 1209, G replaced by A.
Protein change: p.Gly403=; no amino-acid change (glycine 403 retained).
Molecular consequence: synonymous variant.
Genome position (GRCh38, 1-based): chr4:105,682,913, C>T on the plus strand (G>A on the coding strand, the complement: INTS12 is on the minus strand). VCF-style: chr4-105682913-C-T. GRCh37 (hg19) VCF-style: chr4-106604070-C-T.
Other names: c.1209G>A, p.Gly403= (NM_001142471.2).
Identifiers: ClinVar variation 2655003 (VCV002655003.24), dbSNP rs145174807, ClinGen allele CA3033277.